The following is an entry in ClinVar:

NM_001999.4(FBN2):c.1313G>A (p.Gly438Glu)

Gene: FBN2 (fibrillin 2; minus strand). Cytogenetic location: 5q23.3.
Variant type: single nucleotide variant.
Coding change: c.1313G>A on transcript NM_001999.4 (MANE Select); coding-DNA position 1313, G replaced by A.
Protein change: p.Gly438Glu; replaces glycine 438 with glutamic acid.
Molecular consequence: missense variant.
Genome position (GRCh38, 1-based): chr5:128,393,287, C>T on the plus strand (G>A on the coding strand, the complement: FBN2 is on the minus strand). VCF-style: chr5-128393287-C-T. GRCh37 (hg19) VCF-style: chr5-127728980-C-T.
Other names: short protein forms G438E.
Identifiers: ClinVar variation 458730 (VCV000458730.10), dbSNP rs751545674, ClinGen allele CA3395823.
Genomic context (GRCh38, chr5:128,393,287, plus strand): 5'-AAGCCTGTCCCTCCTGGGCCATAGCCATTGCCATTGCCACTTGGGGCAAAGCCATTTCCC[C>T]CAGTGCCTCCAGGTCTGGAACCAGCACTCCCTGGAATTCCTCCCATTGGAAGTCCATCCA-3'
Protein context (NP_001990.2, residues 428-448): GSAGSRPGGT[Gly438Glu]GNGFAPSGNG

ClinVar aggregate classification (germline): Conflicting classifications of pathogenicity. Review status: criteria provided, conflicting classifications (1 of 4 stars). 2 submissions from 2 submitters: Uncertain significance (1); Benign (1). Last evaluated 2025-11-18.

Conditions:
Familial thoracic aortic aneurysm and aortic dissection (TAAD). Also called: Thoracic aortic aneurysms and dissections. Identifiers: Orphanet 91387, MedGen C4707243, MONDO:0019625.
Congenital contractural arachnodactyly (CCA). Also called: Beals-Hecht syndrome; BEALS SYNDROME; Arthrogryposis, distal, type 9. Identifiers: Orphanet 115, MedGen C0220668, MONDO:0007363, OMIM 121050.

Allele frequency attached by ClinVar (database versions not stated): ExAC 0.00001; gnomAD exomes 0.00002 and 0.00003; gnomAD 0.00003 and 0.00004; TOPMed 0.00003.
gnomAD v4.1: 17 of 1,614,100 alleles (0.0011%); highest among the groups gnomAD compares: Admixed American, 0.022%; no homozygotes.

Submissions (2):

Labcorp Genetics (formerly Invitae), Labcorp
Classification: Benign for Congenital contractural arachnodactyly. Last evaluated: 2025-11-18. Review status: criteria provided, single submitter. Criteria: Invitae Variant Classification Sherloc (09022015). Collection method: clinical testing. Allele origin: germline.

Ambry Genetics
Classification: Uncertain significance for Familial thoracic aortic aneurysm and aortic dissection. Last evaluated: 2025-08-12. Review status: criteria provided, single submitter. Criteria: Ambry Variant Classification Scheme 2023. Collection method: clinical testing. Allele origin: germline.
Comment: The p.G438E variant (also known as c.1313G>A), located in coding exon 10 of the FBN2 gene, results from a G to A substitution at nucleotide position 1313. The glycine at codon 438 is replaced by glutamic acid, an amino acid with similar properties. This amino acid position is well conserved in available vertebrate species. In addition, the in silico prediction for this alteration is inconclusive. Based on the available evidence, the clinical significance of this variant remains unclear.